The following is an entry in ClinVar:

ClinVar aggregate classification (germline): Uncertain significance (1 of 4 stars; one submission).

Conditions:
Vici syndrome (VICIS). Identifiers: Orphanet 1493, MedGen C1855772, MONDO:0009452, OMIM 242840.

Allele frequency attached by ClinVar (database versions not stated): gnomAD exomes below 0.00001.
gnomAD v4.1: 1 of 1,614,216 alleles (0.000062%); highest among the groups gnomAD compares: Middle Eastern, 0.016%; no homozygotes.

Submission:

Labcorp Genetics (formerly Invitae), Labcorp
Classification: Uncertain significance for Vici syndrome. Last evaluated: 2022-01-10. Review status: criteria provided, single submitter. Criteria: Invitae Variant Classification Sherloc (09022015). Collection method: clinical testing. Allele origin: germline.
Comment: This sequence change replaces isoleucine, which is neutral and non-polar, with valine, which is neutral and non-polar, at codon 2292 of the EPG5 protein (p.Ile2292Val). This variant is not present in population databases (gnomAD no frequency). This variant has not been reported in the literature in individuals affected with EPG5-related conditions. Algorithms developed to predict the effect of missense changes on protein structure and function output the following: SIFT: "Tolerated"; PolyPhen-2: "Benign"; Align-GVGD: "Class C0". The valine amino acid residue is found in multiple mammalian species, which suggests that this missense change does not adversely affect protein function. In summary, the available evidence is currently insufficient to determine the role of this variant in disease. Therefore, it has been classified as a Variant of Uncertain Significance.

NM_020964.3(EPG5):c.6874A>G (p.Ile2292Val)

Gene: EPG5 (ectopic P-granules 5 autophagy tethering factor; minus strand). Cytogenetic location: 18q12.3.
Variant type: single nucleotide variant.
Coding change: c.6874A>G on transcript NM_020964.3 (MANE Select); coding-DNA position 6874, A replaced by G.
Protein change: p.Ile2292Val; replaces isoleucine 2292 with valine.
Molecular consequence: missense variant.
Genome position (GRCh38, 1-based): chr18:45,860,239, T>C on the plus strand (A>G on the coding strand, the complement: EPG5 is on the minus strand). VCF-style: chr18-45860239-T-C. GRCh37 (hg19) VCF-style: chr18-43440204-T-C.
Other names: c.6874A>G, p.Ile2292Val (NM_001410858.1); c.6871A>G, p.Ile2291Val (NM_001410859.1); short protein forms I2291V, I2292V.
Identifiers: ClinVar variation 1970521 (VCV001970521.2), dbSNP rs2511459070, ClinGen allele CA402337490.